The following is an entry in ClinVar:

NM_000126.4(ETFA):c.452-2A>G

Gene: ETFA (electron transfer flavoprotein subunit alpha; minus strand). Cytogenetic location: 15q24.2.
Variant type: single nucleotide variant.
Coding change: c.452-2A>G on transcript NM_000126.4 (MANE Select); the canonical splice acceptor site of the intron before coding-DNA position 452, A replaced by G.
Molecular consequence: splice acceptor variant.
Genome position (GRCh38, 1-based): chr15:76,286,483, T>C on the plus strand (A>G on the coding strand, the complement: ETFA is on the minus strand). VCF-style: chr15-76286483-T-C. GRCh37 (hg19) VCF-style: chr15-76578824-T-C.
Other names: c.305-2A>G (NM_001127716.2).
Identifiers: ClinVar variation 1524742 (VCV001524742.9), dbSNP rs2141531787, ClinGen allele CA393513975.

ClinVar aggregate classification (germline): Likely pathogenic. Review status: criteria provided, multiple submitters, no conflicts (2 of 4 stars). 2 submissions from 2 submitters: Likely pathogenic (2). Last evaluated 2023-09-22.

Conditions:
Multiple acyl-CoA dehydrogenase deficiency (MADD). Also called: Glutaric Acidemia type 2; ETHYLMALONIC-ADIPICACIDURIA; GA II; Glutaric acidemia type II; GA 2; Glutaric aciduria, type 2. Identifiers: Orphanet 26791, MedGen C0268596, MONDO:0009282, OMIM 231680.

Submissions (2):

Labcorp Genetics (formerly Invitae), Labcorp
Classification: Likely pathogenic for Multiple acyl-CoA dehydrogenase deficiency. Last evaluated: 2023-09-22. Review status: criteria provided, single submitter. Criteria: Invitae Variant Classification Sherloc (09022015). Collection method: clinical testing. Allele origin: germline.
Comment: ClinVar contains an entry for this variant (Variation ID: 1524742). This variant has not been reported in the literature in individuals affected with ETFA-related conditions. This variant is not present in population databases (gnomAD no frequency). This sequence change affects an acceptor splice site in intron 5 of the ETFA gene. It is expected to disrupt RNA splicing. Variants that disrupt the donor or acceptor splice site typically lead to a loss of protein function (PMID: 16199547), and loss-of-function variants in ETFA are known to be pathogenic (PMID: 16510302, 23785301). In summary, the currently available evidence indicates that the variant is pathogenic, but additional data are needed to prove that conclusively. Therefore, this variant has been classified as Likely Pathogenic. Algorithms developed to predict the effect of sequence changes on RNA splicing suggest that this variant may disrupt the consensus splice site.

Baylor Genetics
Classification: Likely pathogenic for Multiple acyl-CoA dehydrogenase deficiency. Last evaluated: 2022-06-20. Review status: criteria provided, single submitter. Criteria: ACMG Guidelines, 2015. Collection method: clinical testing. Allele origin: unknown.

Literature cited by the submitters: PubMed 16199547 (cited by Labcorp Genetics (formerly Invitae), Labcorp); PubMed 16510302 (cited by Labcorp Genetics (formerly Invitae), Labcorp); PubMed 23785301 (cited by Labcorp Genetics (formerly Invitae), Labcorp).